The following is an entry in ClinVar:

ClinVar aggregate classification (germline): Uncertain significance (1 of 4 stars; one submission).

Allele frequency attached by ClinVar (database versions not stated): TOPMed 0.00002; ExAC 0.00001; gnomAD exomes 0.00001; gnomAD 0.00001.
gnomAD v4.1: 10 of 1,612,376 alleles (0.00062%); highest among the groups gnomAD compares: Non-Finnish European, 0.00085%; no homozygotes.

Submission:

Labcorp Genetics (formerly Invitae), Labcorp
Classification: Uncertain significance. Last evaluated: 2025-09-18. Review status: criteria provided, single submitter. Criteria: Invitae Variant Classification Sherloc (09022015). Collection method: clinical testing. Allele origin: germline.
Comment: This sequence change replaces asparagine, which is neutral and polar, with serine, which is neutral and polar, at codon 1499 of the LRP5 protein (p.Asn1499Ser). This variant is present in population databases (rs747832451, gnomAD no frequency). This variant has not been reported in the literature in individuals affected with LRP5-related conditions. ClinVar contains an entry for this variant (Variation ID: 3010415). Invitae Evidence Modeling of protein sequence and biophysical properties (such as structural, functional, and spatial information, amino acid conservation, physicochemical variation, residue mobility, and thermodynamic stability) indicates that this missense variant is not expected to disrupt LRP5 protein function with a negative predictive value of 95%. In summary, the available evidence is currently insufficient to determine the role of this variant in disease. Therefore, it has been classified as a Variant of Uncertain Significance.

NM_002335.4(LRP5):c.4496A>G (p.Asn1499Ser)

Gene: LRP5 (LDL receptor related protein 5; plus strand). Cytogenetic location: 11q13.2.
Variant type: single nucleotide variant.
Coding change: c.4496A>G on transcript NM_002335.4 (MANE Select); coding-DNA position 4496, A replaced by G.
Protein change: p.Asn1499Ser; replaces asparagine 1499 with serine.
Molecular consequence: missense variant.
Genome position (GRCh38, 1-based): chr11:68,446,443, A>G. VCF-style: chr11-68446443-A-G. GRCh37 (hg19) VCF-style: chr11-68213911-A-G.
Other names: c.2753A>G, p.Asn918Ser (NM_001291902.2); short protein forms N918S, N1499S.
Identifiers: ClinVar variation 3010415 (VCV003010415.3), dbSNP rs747832451, ClinGen allele CA6150412.
Genomic context (GRCh38, chr11:68,446,443, plus strand): 5'-AGGAATGCCCAGGCTGGCGAGGCTCTAAGTCACCCTGGCTTGGCTCTCCTCAGATCCTGA[A>G]CCCGCCGCCCTCCCCGGCCACGGACCCCTCCCTGTACAACATGGACATGTTCTACTCTTC-3'
Protein context (NP_002326.2, residues 1489-1509): TKATLYPPIL[Asn1499Ser]PPPSPATDPS